The following is an entry in ClinVar:

NM_000095.3(COMP):c.1308G>T (p.Gln436His)

Gene: COMP (cartilage oligomeric matrix protein; minus strand). Cytogenetic location: 19p13.11.
Variant type: single nucleotide variant.
Coding change: c.1308G>T on transcript NM_000095.3 (MANE Select); coding-DNA position 1308, G replaced by T.
Protein change: p.Gln436His; replaces glutamine 436 with histidine.
Molecular consequence: missense variant.
Genome position (GRCh38, 1-based): chr19:18,786,146, C>A on the plus strand (G>T on the coding strand, the complement: COMP is on the minus strand). VCF-style: chr19-18786146-C-A. GRCh37 (hg19) VCF-style: chr19-18896956-C-A.
Other names: short protein forms Q436H.
Identifiers: ClinVar variation 3666919 (VCV003666919.2).

ClinVar aggregate classification (germline): Uncertain significance (1 of 4 stars; one submission).

Submission:

Labcorp Genetics (formerly Invitae), Labcorp
Classification: Uncertain significance. Last evaluated: 2025-04-17. Review status: criteria provided, single submitter. Criteria: Invitae Variant Classification Sherloc (09022015). Collection method: clinical testing. Allele origin: germline.
Comment: This sequence change replaces glutamine, which is neutral and polar, with histidine, which is basic and polar, at codon 436 of the COMP protein (p.Gln436His). This variant is not present in population databases (gnomAD no frequency). This variant has not been reported in the literature in individuals affected with COMP-related conditions. ClinVar contains an entry for this variant (Variation ID: 3666919). An algorithm developed to predict the effect of missense changes on protein structure and function (PolyPhen-2) suggests that this variant is likely to be tolerated. In summary, the available evidence is currently insufficient to determine the role of this variant in disease. Therefore, it has been classified as a Variant of Uncertain Significance.